The following is an entry in ClinVar:

ClinVar aggregate classification (germline): Uncertain significance (1 of 4 stars; one submission).

gnomAD v4.1: 31 of 1,614,050 alleles (0.0019%); highest among the groups gnomAD compares: East Asian, 0.0067%; no homozygotes.

Submission:

Labcorp Genetics (formerly Invitae), Labcorp
Classification: Uncertain significance. Last evaluated: 2025-09-03. Review status: criteria provided, single submitter. Criteria: Invitae Variant Classification Sherloc (09022015). Collection method: clinical testing. Allele origin: germline.
Comment: This sequence change falls in intron 17 of the VAV1 gene. It does not directly change the encoded amino acid sequence of the VAV1 protein. It affects a nucleotide within the consensus splice site. This variant is present in population databases (rs149610699, gnomAD 0.006%). This variant has not been reported in the literature in individuals affected with VAV1-related conditions. ClinVar contains an entry for this variant (Variation ID: 3625292). Variants that disrupt the consensus splice site are a relatively common cause of aberrant splicing (PMID: 17576681, 9536098). Algorithms developed to predict the effect of sequence changes on RNA splicing suggest that this variant may disrupt the consensus splice site. In summary, the available evidence is currently insufficient to determine the role of this variant in disease. Therefore, it has been classified as a Variant of Uncertain Significance.

Literature cited by the submitters: PubMed 17576681; PubMed 9536098.

NM_005428.4(VAV1):c.1708+5G>A

Gene: VAV1 (vav guanine nucleotide exchange factor 1; plus strand). Cytogenetic location: 19p13.3.
Variant type: single nucleotide variant.
Coding change: c.1708+5G>A on transcript NM_005428.4 (MANE Select); 5 bases into the intron after coding-DNA position 1708, G replaced by A.
Molecular consequence: intron variant.
Genome position (GRCh38, 1-based): chr19:6,833,630, G>A. VCF-style: chr19-6833630-G-A. GRCh37 (hg19) VCF-style: chr19-6833641-G-A.
Other names: c.1708+5G>A (NM_001258206.2); c.1612+5G>A (NM_001258207.2).
Identifiers: ClinVar variation 3625292 (VCV003625292.2).